The following is an entry in ClinVar:

NM_000551.4(VHL):c.182C>G (p.Pro61Arg)

Gene: VHL (von Hippel-Lindau tumor suppressor; plus strand). Cytogenetic location: 3p25.3.
Variant type: single nucleotide variant.
Coding change: c.182C>G on transcript NM_000551.4 (MANE Select); coding-DNA position 182, C replaced by G.
Protein change: p.Pro61Arg; replaces proline 61 with arginine.
Molecular consequence: missense variant.
Genome position (GRCh38, 1-based): chr3:10,142,029, C>G. VCF-style: chr3-10142029-C-G. GRCh37 (hg19) VCF-style: chr3-10183713-C-G.
Other names: c.182C>G, p.Pro61Arg (NM_001354723.2, NM_198156.3); short protein forms P61R.
Identifiers: ClinVar variation 581453 (VCV000581453.6), dbSNP rs746582207, ClinGen allele CA351748722.

ClinVar aggregate classification (germline): Uncertain significance (1 of 4 stars; one submission).

Conditions:
Von Hippel-Lindau syndrome (VHLS). Also called: Von Hippel-Lindau; VHL syndrome; von Hippel–Lindau syndrome. Identifiers: Orphanet 892, MedGen C0019562, MONDO:0008667, OMIM 193300. Disease mechanism: loss of function.
Chuvash polycythemia. Also called: POLYCYTHEMIA, VHL-DEPENDENT. Identifiers: Orphanet 238557, MedGen C1837915, MONDO:0009892, OMIM 263400.

Submission:

Labcorp Genetics (formerly Invitae), Labcorp
Classification: Uncertain significance for Von Hippel-Lindau syndrome; Chuvash polycythemia. Last evaluated: 2025-11-17. Review status: criteria provided, single submitter. Criteria: Invitae Variant Classification Sherloc (09022015). Collection method: clinical testing. Allele origin: germline.
Comment: This sequence change replaces proline, which is neutral and non-polar, with arginine, which is basic and polar, at codon 61 of the VHL protein (p.Pro61Arg). This variant is not present in population databases (gnomAD no frequency). This variant has not been reported in the literature in individuals affected with VHL-related conditions. ClinVar contains an entry for this variant (Variation ID: 581453). Invitae Evidence Modeling of protein sequence and biophysical properties (such as structural, functional, and spatial information, amino acid conservation, physicochemical variation, residue mobility, and thermodynamic stability) has been performed for this missense variant. However, the output from this modeling did not meet the statistical confidence thresholds required to predict the impact of this variant on VHL protein function. In summary, the available evidence is currently insufficient to determine the role of this variant in disease. Therefore, it has been classified as a Variant of Uncertain Significance.